The following is an entry in ClinVar:

NM_001282531.3(ADNP):c.1401_1404del (p.Lys467fs)

Gene: ADNP (activity dependent neuroprotector homeobox; minus strand). Cytogenetic location: 20q13.13.
Variant type: Deletion.
Coding change: c.1401_1404del on transcript NM_001282531.3 (MANE Select); coding-DNA positions 1401 to 1404, 4 bases deleted (AGAA; older notation c.1401_1404delAGAA).
Protein change: p.Lys467fs; shifts the reading frame from lysine 467.
Molecular consequence: frameshift variant.
Genome position (GRCh38, 1-based): chr20:50,893,310-50,893,313, TTCT deleted on the plus strand (AGAA on the coding strand, the reverse complement: ADNP is on the minus strand); deleting any 4 consecutive bases within chr20:50,893,310-50,893,315 gives the same sequence; the c. name uses the placement nearest the transcript's 3' end. VCF-style (leftmost placement, unchanged base first): chr20-50893309-GTTCT-G. GRCh37 (hg19) VCF-style: chr20-49509846-GTTCT-G.
Other names: c.1401_1404del, p.Lys467fs (NM_001282532.2, NM_001347511.2, NM_015339.5 and 1 more transcripts); short protein forms K467fs.
Identifiers: ClinVar variation 2029776 (VCV002029776.4), dbSNP rs2515585006, ClinGen allele CA2580098326.

ClinVar aggregate classification (germline): Pathogenic (1 of 4 stars; one submission).

Submission:

Labcorp Genetics (formerly Invitae), Labcorp
Classification: Pathogenic. Last evaluated: 2025-03-09. Review status: criteria provided, single submitter. Criteria: Invitae Variant Classification Sherloc (09022015). Collection method: clinical testing. Allele origin: germline.
Comment: This sequence change creates a premature translational stop signal (p.Lys467Asnfs*10) in the ADNP gene. While this is not anticipated to result in nonsense mediated decay, it is expected to disrupt the last 636 amino acid(s) of the ADNP protein. This variant is not present in population databases (gnomAD no frequency). This variant has not been reported in the literature in individuals affected with ADNP-related conditions. ClinVar contains an entry for this variant (Variation ID: 2029776). This variant disrupts a region of the ADNP protein in which other variant(s) (p.Arg1023Serfs*3) have been determined to be pathogenic (PMID: 29724491, 29911927, 33004838). This suggests that this is a clinically significant region of the protein, and that variants that disrupt it are likely to be disease-causing. For these reasons, this variant has been classified as Pathogenic.

Literature cited by the submitters: PubMed 29724491; PubMed 29911927; PubMed 33004838.